The following is an entry in ClinVar:

NM_000548.5(TSC2):c.3800C>T (p.Pro1267Leu)

Gene: TSC2 (TSC complex subunit 2; plus strand). Cytogenetic location: 16p13.3.
Variant type: single nucleotide variant.
Coding change: c.3800C>T on transcript NM_000548.5 (MANE Select); coding-DNA position 3800, C replaced by T.
Protein change: p.Pro1267Leu; replaces proline 1267 with leucine.
Molecular consequence: missense variant.
Genome position (GRCh38, 1-based): chr16:2,081,784, C>T. VCF-style: chr16-2081784-C-T. GRCh37 (hg19) VCF-style: chr16-2131785-C-T.
Other names: c.3560C>T, p.Pro1187Leu (NM_001318827.2); c.3524C>T, p.Pro1175Leu (NM_001318829.2); c.3068C>T, p.Pro1023Leu (NM_001318831.2); c.3701C>T, p.Pro1234Leu (NM_001318832.2); c.3671C>T, p.Pro1224Leu (NM_001363528.2, NM_001370405.1, NM_021055.3); c.3668C>T, p.Pro1223Leu (NM_001370404.1, NM_001077183.3); c.3800C>T, p.Pro1267Leu (NM_001114382.3); short protein forms P1023L, P1175L, P1234L, P1224L, P1187L, P1223L, P1267L.
Identifiers: ClinVar variation 1441976 (VCV001441976.12), dbSNP rs1245115663, ClinGen allele CA394293573.

ClinVar aggregate classification (germline): Uncertain significance. Review status: criteria provided, multiple submitters, no conflicts (2 of 4 stars). 3 submissions from 3 submitters: Uncertain significance (3). Last evaluated 2025-02-25.

Conditions:
Tuberous sclerosis syndrome (TSC). Also called: Tuberous sclerosis; Tuberous Sclerosis Complex. Identifiers: Orphanet 805, MedGen C0041341, MONDO:0001734.
Hereditary cancer-predisposing syndrome. Also called: Neoplastic Syndromes, Hereditary; Hereditary Cancer Syndrome; Tumor predisposition; Hereditary neoplastic syndrome. Identifiers: Orphanet 140162, MedGen C0027672, MeSH D009386, MONDO:0015356.
Tuberous sclerosis 2 (TSC2). Identifiers: Orphanet 805, MedGen C1860707, MONDO:0013199, OMIM 613254.

Allele frequency attached by ClinVar (database versions not stated): TOPMed 0.00001.

Submissions (3):

Ambry Genetics
Classification: Uncertain significance for Hereditary cancer-predisposing syndrome. Last evaluated: 2025-02-25. Review status: criteria provided, single submitter. Criteria: Ambry Variant Classification Scheme 2023. Collection method: clinical testing. Allele origin: germline.
Comment: The p.P1267L variant (also known as c.3800C>T), located in coding exon 30 of the TSC2 gene, results from a C to T substitution at nucleotide position 3800. The proline at codon 1267 is replaced by leucine, an amino acid with similar properties. This amino acid position is not well conserved in available vertebrate species. In addition, the in silico prediction for this alteration is inconclusive. Based on the available evidence, the clinical significance of this variant remains unclear.

All of Us Research Program, National Institutes of Health
Classification: Uncertain significance for Tuberous sclerosis syndrome. Last evaluated: 2023-06-26. Review status: criteria provided, single submitter. Criteria: ACMG Guidelines, 2015. Collection method: clinical testing. Allele origin: germline. Inheritance: Autosomal dominant inheritance. Observed: 1 variant allele, 1 heterozygote.
Comment: This missense variant replaces proline with leucine at codon 1267 of the TSC2 protein. Computational prediction suggests that this variant may not impact protein structure and function (internally defined REVEL score threshold <= 0.5, PMID: 27666373). To our knowledge, functional studies have not been reported for this variant. This variant has not been reported in individuals affected with TSC2-related disorders in the literature. This variant has not been identified in the general population by the Genome Aggregation Database (gnomAD). The available evidence is insufficient to determine the role of this variant in disease conclusively. Therefore, this variant is classified as a Variant of Uncertain Significance.

This study involves interpretation of variants in research participants for the purpose of population health screening. Participant phenotype was not available at the time of variant classification. Additional details can be found in publication PMID: 35346344, PMCID: PMC8962531

Labcorp Genetics (formerly Invitae), Labcorp
Classification: Uncertain significance for Tuberous sclerosis 2. Last evaluated: 2023-03-28. Review status: criteria provided, single submitter. Criteria: Invitae Variant Classification Sherloc (09022015). Collection method: clinical testing. Allele origin: germline.
Comment: This sequence change replaces proline, which is neutral and non-polar, with leucine, which is neutral and non-polar, at codon 1267 of the TSC2 protein (p.Pro1267Leu). This variant is not present in population databases (gnomAD no frequency). This variant has not been reported in the literature in individuals affected with TSC2-related conditions. ClinVar contains an entry for this variant (Variation ID: 1441976). Advanced modeling of protein sequence and biophysical properties (such as structural, functional, and spatial information, amino acid conservation, physicochemical variation, residue mobility, and thermodynamic stability) performed at Invitae indicates that this missense variant is not expected to disrupt TSC2 protein function. In summary, the available evidence is currently insufficient to determine the role of this variant in disease. Therefore, it has been classified as a Variant of Uncertain Significance.